The following is an entry in ClinVar:

NM_025114.4(CEP290):c.3708dup (p.Arg1237fs)

Gene: CEP290 (centrosomal protein 290; minus strand). Cytogenetic location: 12q21.32.
Variant type: Duplication.
Coding change: c.3708dup on transcript NM_025114.4 (MANE Select); coding-DNA position 3708, one base duplicated (G; older notation c.3708dupG).
Protein change: p.Arg1237fs; shifts the reading frame from arginine 1237.
Molecular consequence: frameshift variant.
Genome position (GRCh38, 1-based): chr12:88,089,353, C duplicated on the plus strand (G on the coding strand, the reverse complement: CEP290 is on the minus strand). VCF-style (leftmost placement, unchanged base first): chr12-88089352-G-GC. GRCh37 (hg19) VCF-style: chr12-88483129-G-GC.
Other names: c.3708dupG (NM_025114.4); c.3708dup (NM_025114.3); short protein forms R1237fs.
Identifiers: ClinVar variation 1071036 (VCV001071036.19), dbSNP rs758991387, ClinGen allele CA6712096.

ClinVar aggregate classification (germline): Pathogenic/Likely pathogenic. Review status: criteria provided, multiple submitters, no conflicts (2 of 4 stars). 8 submissions from 8 submitters: Pathogenic (3); Likely pathogenic (5). Last evaluated 2026-06-12.

Conditions:
Meckel syndrome, type 4 (MKS4). Also called: MECKEL-GRUBER SYNDROME, TYPE 4. Identifiers: Orphanet 564, MedGen C1970161, MONDO:0012626, OMIM 611134.
Joubert syndrome 5 (JBTS5). Identifiers: Orphanet 2318, MedGen C1857780, MONDO:0012432, OMIM 610188.
Renal dysplasia and retinal aplasia (SLSN). Also called: Senior-Loken syndrome. Identifiers: Orphanet 3156, MedGen C0403553, MONDO:0017842.
Leber congenital amaurosis 10 (LCA10). Identifiers: Orphanet 65, MedGen C1857821, MONDO:0012723, OMIM 611755.
CEP290-related ciliopathy. Also called: CEP290 ciliopathy. Identifiers: MedGen CN305601, MONDO:0100451.
CEP290-related disorder. Also called: CEP290-related disorders; CEP290-related condition. Identifiers: MedGen CN239314.
Bardet-Biedl syndrome 14 (BBS14). Identifiers: Orphanet 110, MedGen C2673874, MONDO:0014442, OMIM 615991.
Nephronophthisis. Also called: Juvenile Nephronophthisis. Identifiers: Orphanet 655, MedGen C0687120, MONDO:0019005, HP:0000090.
Meckel-Gruber syndrome. Also called: Dysencephalia splachnocystica; DYSENCEPHALIA SPLANCHNOCYSTICA; GRUBER SYNDROME. Identifiers: Orphanet 564, MedGen C0265215, MONDO:0018921.
Joubert syndrome. Also called: JOUBERT-BOLTSHAUSER SYNDROME; Familial aplasia of the vermis. Identifiers: Orphanet 475, MedGen C5979921, MONDO:0018772.
Leber congenital amaurosis (LCA). Also called: Leber's amaurosis. Identifiers: Orphanet 65, MedGen C0339527, MeSH D057130, MONDO:0018998.

Allele frequency attached by ClinVar (database versions not stated): gnomAD exomes 0.00001; TOPMed 0.00001; gnomAD 0.00002; ExAC 0.00003; ESP Exome Variant Server 0.00009.

Submissions (8):

Victorian Clinical Genetics Services, Murdoch Childrens Research Institute
Classification: Pathogenic for CEP290-related ciliopathy. Last evaluated: 2026-06-12. Review status: criteria provided, single submitter. Criteria: ACMG Guidelines, 2015. Collection method: clinical testing. Allele origin: germline. Affected: yes.
Comment: This variant is classified as Pathogenic. Evidence in support of pathogenic classification: Variant is predicted to cause nonsense-mediated decay (NMD) and loss of protein (premature termination codon is located at least 54 nucleotides upstream of the final exon-exon junction); Variant is present in gnomAD <0.01 for a recessive condition (v4: 12 heterozygote(s), 0 homozygote(s)); This variant has strong previous evidence of pathogenicity in unrelated individuals. This variant has been classified as pathogenic or likely pathogenic by multiple clinical laboratories in ClinVar; Other NMD-predicted variant(s) comparable to the one identified in this case have very strong previous evidence for pathogenicity (DECIPHER). Additional information: This variant is heterozygous; This gene is associated with autosomal recessive disease; Loss of function is a known mechanism of disease in this gene and is associated with CEP290-related ciliopathy (MONDO#0100451); Heterozygous variant detected in trans with a second PATHOGENIC heterozygous variant (NM_025114.4(CEP290):c.4882C>T; p.(Gln1628*)) in a recessive disease.

PreventionGenetics, part of Exact Sciences
Classification: Likely pathogenic for CEP290-related condition. Last evaluated: 2025-07-25. Review status: criteria provided, single submitter. Criteria: ACMG Guidelines, 2015. Collection method: clinical testing. Allele origin: germline.
Comment: The CEP290 c.3708dupG variant is predicted to result in a frameshift and premature protein termination (p.Arg1237Alafs*7). To our knowledge, this variant has not been reported in the literature in individuals with CEP290-related disorders. This variant is reported in 0.0033% of alleles in individuals of South Asian descent in gnomAD. Frameshift variants in CEP290 are expected to be pathogenic, and therefore we interpret this variant as likely pathogenic.

Natera, Inc.
Classification: Likely pathogenic for Leber congenital amaurosis. Last evaluated: 2024-08-20. Review status: criteria provided, single submitter. Criteria: Natera Variant Classification Schema (03/2026). Collection method: clinical testing. Allele origin: germline.
Comment: The c.3708dup variant in CEP290 is a frameshift variant predicted to shift the reading frame beginning at codon 1237 and leads to a stop codon 7 codons downstream. This variant is expected to result in nonsense mediated decay, truncation, or a dysfunctional protein product. This variant is rare in the general population with a frequency below the threshold expected for the associated phenotype(s). Given the available evidence, this variant is classified as Likely Pathogenic.

Labcorp Genetics (formerly Invitae), Labcorp
Classification: Pathogenic for Joubert syndrome; Meckel-Gruber syndrome; Nephronophthisis. Last evaluated: 2024-05-01. Review status: criteria provided, single submitter. Criteria: Invitae Variant Classification Sherloc (09022015). Collection method: clinical testing. Allele origin: germline.
Comment: This sequence change creates a premature translational stop signal (p.Arg1237Alafs*7) in the CEP290 gene. It is expected to result in an absent or disrupted protein product. Loss-of-function variants in CEP290 are known to be pathogenic (PMID: 16909394, 17345604, 20690115). This variant is present in population databases (rs758991387, gnomAD 0.004%). This variant has not been reported in the literature in individuals affected with CEP290-related conditions. ClinVar contains an entry for this variant (Variation ID: 1071036). For these reasons, this variant has been classified as Pathogenic.

Women's Health and Genetics/Laboratory Corporation of America, LabCorp
Classification: Pathogenic for Meckel syndrome, type 4. Last evaluated: 2023-11-06. Review status: criteria provided, single submitter. Criteria: LabCorp Variant Classification Summary - May 2015. Collection method: clinical testing. Allele origin: germline.
Comment: Variant summary: CEP290 c.3708dupG (p.Arg1237AlafsX7) results in a premature termination codon, predicted to cause a truncation of the encoded protein or absence of the protein due to nonsense mediated decay, which are commonly known mechanisms for disease. Variants downstream of this position have been classified as pathogenic by our laboratory. The variant allele was found at a frequency of 1.2e-05 in 249052 control chromosomes (gnomAD). To our knowledge, no occurrence of c.3708dupG in individuals affected with Meckel Syndrome Type 4 and no experimental evidence demonstrating its impact on protein function have been reported. One submitter has cited clinical-significance assessments for this variant to ClinVar after 2014 and has classified the variant as pathogenic. Based on the evidence outlined above, the variant was classified as pathogenic.

Baylor Genetics
Classification: Likely pathogenic for Bardet-Biedl syndrome 14. Last evaluated: 2023-07-30. Review status: criteria provided, single submitter. Criteria: ACMG Guidelines, 2015. Collection method: clinical testing. Allele origin: unknown.

Blueprint Genetics
Classification: Likely pathogenic for CEP290-related disorders. Last evaluated: 2021-04-22. Review status: criteria provided, single submitter. Criteria: ACMG Guidelines, 2015. Collection method: clinical testing. Allele origin: germline. Affected: yes. Observed: 1 variant allele.

Neuberg Centre For Genomic Medicine, NCGM
Classification: Likely pathogenic for Joubert syndrome 5. Review status: criteria provided, single submitter. Criteria: ACMG Guidelines, 2015. Collection method: clinical testing. Allele origin: germline. Inheritance: Autosomal recessive inheritance. Affected: yes.
Comment: The frameshift c.3708dup p.Arg1237AlafsTer7 variant in the CEP290 gene has not been reported previously as a pathogenic variant nor as a benign variant, to our knowledge. This variant is reported with the allele frequency 0.001% in the gnomAD Exomes and novel in 1000 Genomes. It has been reported to ClinVar database as Likely Pathogenic/ Pathogenic. This variant causes a frameshift starting with codon Arginine 1237, changes this amino acid to Alanine residue, and creates a premature Stop codon at position 7 of the new reading frame, denoted p.Arg1237AlafsTer7. This variant is predicted to cause loss of normal protein function through protein truncation. Loss of function variants have been previously reported to be disease.Further studies are required to prove the pathogenicity of the variant. For these reasons, this variant has been classified as Likely Pathogenic.

Literature cited by the submitters: PubMed 16909394 (cited by Labcorp Genetics (formerly Invitae), Labcorp); PubMed 17345604 (cited by Labcorp Genetics (formerly Invitae), Labcorp); PubMed 20690115 (cited by Labcorp Genetics (formerly Invitae), Labcorp).